The following is an entry in ClinVar:

NM_000180.4(GUCY2D):c.1987G>A (p.Ala663Thr)

Gene: GUCY2D (guanylate cyclase 2D, retinal; plus strand). Cytogenetic location: 17p13.1.
Variant type: single nucleotide variant.
Coding change: c.1987G>A on transcript NM_000180.4 (MANE Select); coding-DNA position 1987, G replaced by A.
Protein change: p.Ala663Thr; replaces alanine 663 with threonine.
Molecular consequence: missense variant.
Genome position (GRCh38, 1-based): chr17:8,012,480, G>A. VCF-style: chr17-8012480-G-A. GRCh37 (hg19) VCF-style: chr17-7915798-G-A.
Other names: short protein forms A663T.
Identifiers: ClinVar variation 1487872 (VCV001487872.7), dbSNP rs749314383, ClinGen allele CA8365963.

ClinVar aggregate classification (germline): Uncertain significance. Review status: criteria provided, multiple submitters, no conflicts (2 of 4 stars). 2 submissions from 2 submitters: Uncertain significance (2). Last evaluated 2025-11-28.

Conditions:
Cone-rod dystrophy 6 (CORD6). Also called: RETINAL CONE DYSTROPHY 2; Cone dystrophy progressive. Identifiers: Orphanet 1872, MedGen C1866293, MONDO:0011143, OMIM 601777.
Leber congenital amaurosis 1 (LCA1). Also called: RETINAL BLINDNESS, CONGENITAL; AMAUROSIS CONGENITA OF LEBER I; Congenital absence of the rods and cones; Leber's congenital tapetoretinal degeneration; Leber's congenital tapetoretinal dysplasia. Identifiers: Orphanet 65, MedGen C2931258, MONDO:0008764, OMIM 204000.

Allele frequency attached by ClinVar (database versions not stated): TOPMed 0.00002; gnomAD exomes 0.00003; ExAC 0.00004.
gnomAD v4.1: 9 of 1,614,070 alleles (0.00056%); highest among the groups gnomAD compares: Admixed American, 0.015%; no homozygotes.

Submissions (2):

Labcorp Genetics (formerly Invitae), Labcorp
Classification: Uncertain significance for Leber congenital amaurosis 1; Cone-rod dystrophy 6. Last evaluated: 2025-11-28. Review status: criteria provided, single submitter. Criteria: Invitae Variant Classification Sherloc (09022015). Collection method: clinical testing. Allele origin: germline.
Comment: This sequence change replaces alanine, which is neutral and non-polar, with threonine, which is neutral and polar, at codon 663 of the GUCY2D protein (p.Ala663Thr). This variant is present in population databases (rs749314383, gnomAD 0.02%). This variant has not been reported in the literature in individuals affected with GUCY2D-related conditions. ClinVar contains an entry for this variant (Variation ID: 1487872). Invitae Evidence Modeling of protein sequence and biophysical properties (such as structural, functional, and spatial information, amino acid conservation, physicochemical variation, residue mobility, and thermodynamic stability) indicates that this missense variant is not expected to disrupt GUCY2D protein function with a negative predictive value of 80%. In summary, the available evidence is currently insufficient to determine the role of this variant in disease. Therefore, it has been classified as a Variant of Uncertain Significance.

Breakthrough Genomics
Classification: Uncertain significance. Review status: criteria provided, single submitter. Criteria: ACMG Guidelines, 2015. Collection method: not provided. Allele origin: germline. Inheritance: Autosomal recessive inheritance. Affected: yes.